The following is an entry in ClinVar:

ClinVar aggregate classification (germline): Uncertain significance. Review status: criteria provided, multiple submitters, no conflicts (2 of 4 stars). 2 submissions from 2 submitters: Uncertain significance (2). Last evaluated 2025-12-24.

Conditions:
Hereditary cancer-predisposing syndrome. Also called: Tumor predisposition; Neoplastic Syndromes, Hereditary; Hereditary neoplastic syndrome; Hereditary Cancer Syndrome. Identifiers: Orphanet 140162, MedGen C0027672, MeSH D009386, MONDO:0015356.

Allele frequency attached by ClinVar (database versions not stated): gnomAD exomes below 0.00001; ExAC 0.00001.
gnomAD v4.1: 1 of 1,613,602 alleles (0.000062%); highest among the groups gnomAD compares: Non-Finnish European, 0.000085%; no homozygotes.

Submissions (2):

Labcorp Genetics (formerly Invitae), Labcorp
Classification: Uncertain significance. Last evaluated: 2025-12-24. Review status: criteria provided, single submitter. Criteria: Invitae Variant Classification Sherloc (09022015). Collection method: clinical testing. Allele origin: germline.
Comment: This sequence change replaces tyrosine, which is neutral and polar, with cysteine, which is neutral and slightly polar, at codon 1028 of the MSH3 protein (p.Tyr1028Cys). This variant is not present in population databases (gnomAD no frequency). This variant has not been reported in the literature in individuals affected with MSH3-related conditions. ClinVar contains an entry for this variant (Variation ID: 850525). An algorithm developed to predict the effect of missense changes on protein structure and function (PolyPhen-2) suggests that this variant is likely to be disruptive. In summary, the available evidence is currently insufficient to determine the role of this variant in disease. Therefore, it has been classified as a Variant of Uncertain Significance.

Ambry Genetics
Classification: Uncertain significance for Hereditary cancer-predisposing syndrome. Last evaluated: 2025-02-08. Review status: criteria provided, single submitter. Criteria: Ambry Variant Classification Scheme 2023. Collection method: clinical testing. Allele origin: germline.
Comment: The p.Y1028C variant (also known as c.3083A>G), located in coding exon 22 of the MSH3 gene, results from an A to G substitution at nucleotide position 3083. The tyrosine at codon 1028 is replaced by cysteine, an amino acid with highly dissimilar properties. This amino acid position is highly conserved in available vertebrate species. In addition, this alteration is predicted to be deleterious by in silico analysis. Since supporting evidence is limited at this time, the clinical significance of this alteration remains unclear.

NM_002439.5(MSH3):c.3083A>G (p.Tyr1028Cys)

Gene: MSH3 (mutS homolog 3; plus strand). Cytogenetic location: 5q14.1.
Variant type: single nucleotide variant.
Coding change: c.3083A>G on transcript NM_002439.5 (MANE Select); coding-DNA position 3083, A replaced by G.
Protein change: p.Tyr1028Cys; replaces tyrosine 1028 with cysteine.
Molecular consequence: missense variant.
Genome position (GRCh38, 1-based): chr5:80,864,895, A>G. VCF-style: chr5-80864895-A-G. GRCh37 (hg19) VCF-style: chr5-80160714-A-G.
Other names: short protein forms Y1028C.
Identifiers: ClinVar variation 850525 (VCV000850525.13), dbSNP rs759931821, ClinGen allele CA3328444.